The following is an entry in ClinVar:

ClinVar aggregate classification (germline): Uncertain significance (1 of 4 stars; one submission).

Submission:

Ambry Genetics
Classification: Uncertain significance. Last evaluated: 2025-06-27. Review status: criteria provided, single submitter. Criteria: Ambry Variant Classification Scheme 2023. Collection method: clinical testing. Allele origin: germline.
Comment: The p.D501H variant (also known as c.1501G>C), located in coding exon 6 of the WNK2 gene, results from a G to C substitution at nucleotide position 1501. The aspartic acid at codon 501 is replaced by histidine, an amino acid with similar properties. This amino acid position is conserved. In addition, the in silico prediction for this alteration is inconclusive. Based on the available evidence, the clinical significance of this variant remains unclear.

NM_006648.4(WNK2):c.1501G>C (p.Asp501His)

Gene: WNK2 (WNK lysine deficient protein kinase 2; plus strand). Cytogenetic location: 9q22.31.
Variant type: single nucleotide variant.
Coding change: c.1501G>C on transcript NM_006648.4 (MANE Select); coding-DNA position 1501, G replaced by C.
Protein change: p.Asp501His; replaces aspartic acid 501 with histidine.
Molecular consequence: missense variant.
Genome position (GRCh38, 1-based): chr9:93,239,935, G>C. VCF-style: chr9-93239935-G-C. GRCh37 (hg19) VCF-style: chr9-96002217-G-C.
Other names: c.1501G>C, p.Asp501His (NM_001282394.3); short protein forms D501H.
Identifiers: ClinVar variation 4201567 (VCV004201567.1).